The following is an entry in ClinVar:

NM_001323289.2(CDKL5):c.2048G>A (p.Gly683Asp)

Gene: CDKL5 (cyclin dependent kinase like 5; plus strand). Cytogenetic location: Xp22.13.
Variant type: single nucleotide variant.
Coding change: c.2048G>A on transcript NM_001323289.2 (MANE Select); coding-DNA position 2048, G replaced by A.
Protein change: p.Gly683Asp; replaces glycine 683 with aspartic acid.
Molecular consequence: missense variant.
Genome position (GRCh38, 1-based): chrX:18,609,466, G>A. VCF-style: chrX-18609466-G-A. GRCh37 (hg19) VCF-style: chrX-18627586-G-A.
Other names: c.2048G>A, p.Gly683Asp (NM_003159.3, NM_001037343.2); short protein forms G683D.
Identifiers: ClinVar variation 2932831 (VCV002932831.3), dbSNP rs2518881106, ClinGen allele CA412366235.
Genomic context (GRCh38, chrX:18,609,466, plus strand): 5'-ATAGGCAATATTGTCATCAATGTGTGGCTTAACTTTTATAAATTTCTTTCCTGCCTCAGG[G>A]TGGAGTGTATCATGACCCACACTCTGATGATGGCACAGCCCCCAAAGAAAATAGACACCT-3'
Protein context (NP_001310218.1, residues 673-693): SSFHTRQKSE[Gly683Asp]GVYHDPHSDD

ClinVar aggregate classification (germline): Uncertain significance (1 of 4 stars; one submission).

Conditions:
Developmental and epileptic encephalopathy, 2 (DEE2). Also called: INFANTILE SPASM SYNDROME, X-LINKED 2; CDKL5 deficiency disorder. Identifiers: Orphanet 1934, Orphanet 3451, Orphanet 505652, MedGen C4750718, MONDO:0010396, OMIM 300672.
Angelman syndrome-like. Identifiers: MedGen CN128785.

Submission:

Labcorp Genetics (formerly Invitae), Labcorp
Classification: Uncertain significance for Developmental and epileptic encephalopathy, 2; Angelman syndrome-like. Last evaluated: 2024-01-29. Review status: criteria provided, single submitter. Criteria: Invitae Variant Classification Sherloc (09022015). Collection method: clinical testing. Allele origin: germline.
Comment: This sequence change replaces glycine, which is neutral and non-polar, with aspartic acid, which is acidic and polar, at codon 683 of the CDKL5 protein (p.Gly683Asp). This variant is not present in population databases (gnomAD no frequency). This variant has not been reported in the literature in individuals affected with CDKL5-related conditions. An algorithm developed to predict the effect of missense changes on protein structure and function (PolyPhen-2) suggests that this variant is likely to be disruptive. In summary, the available evidence is currently insufficient to determine the role of this variant in disease. Therefore, it has been classified as a Variant of Uncertain Significance.